The following is an entry in ClinVar:

ClinVar aggregate classification (germline): Likely benign. Review status: criteria provided, multiple submitters, no conflicts (2 of 4 stars). 4 submissions from 4 submitters: Likely benign (4). Last evaluated 2025-12-10.

Allele frequency attached by ClinVar (database versions not stated): 1000 Genomes Project 30x 0.00016; 1000 Genomes Project 0.00020; gnomAD 0.00020; ESP Exome Variant Server 0.00023.
gnomAD v4.1: 410 of 1,605,342 alleles (0.026%); highest among the groups gnomAD compares: Non-Finnish European, 0.033%; no homozygotes.

Submissions (4):

Labcorp Genetics (formerly Invitae), Labcorp
Classification: Likely benign. Last evaluated: 2025-12-10. Review status: criteria provided, single submitter. Criteria: Invitae Variant Classification Sherloc (09022015). Collection method: clinical testing. Allele origin: germline.

CeGaT Center for Human Genetics Tuebingen
Classification: Likely benign. Last evaluated: 2025-11-01. Review status: criteria provided, single submitter. Criteria: CeGaT Center For Human Genetics Tuebingen Variant Classification Criteria Version 2. Collection method: clinical testing. Allele origin: germline. Affected: yes. Observed: 1 variant allele.
Comment: ABL1: BP4, BP7

Laboratory of Genetics, Children's Clinical University Hospital Latvia
Classification: Likely benign. Last evaluated: 2025-02-16. Review status: criteria provided, single submitter. Criteria: ACMG Guidelines, 2015. Collection method: clinical testing. Allele origin: germline. Affected: yes.

Blueprint Genetics
Classification: Likely benign. Last evaluated: 2024-10-17. Review status: criteria provided, single submitter. Criteria: ACMG Guidelines, 2015. Collection method: clinical testing. Allele origin: germline.

NM_005157.6(ABL1):c.807C>T (p.Ala269=)

Gene: ABL1 (ABL proto-oncogene 1, non-receptor tyrosine kinase; plus strand). Cytogenetic location: 9q34.12.
Variant type: single nucleotide variant.
Coding change: c.807C>T on transcript NM_005157.6 (MANE Select); coding-DNA position 807, C replaced by T.
Protein change: p.Ala269=; no amino-acid change (alanine 269 retained).
Molecular consequence: synonymous variant.
Genome position (GRCh38, 1-based): chr9:130,863,020, C>T. VCF-style: chr9-130863020-C-T. GRCh37 (hg19) VCF-style: chr9-133738407-C-T.
Other names: c.864C>T, p.Ala288= (NM_007313.3).
Identifiers: ClinVar variation 1567710 (VCV001567710.16), dbSNP rs148722778, ClinGen allele CA5285283.
Genomic context (GRCh38, chr9:130,863,020, plus strand): 5'-CGGGGGCCAGTACGGGGAGGTGTACGAGGGCGTGTGGAAGAAATACAGCCTGACGGTGGC[C>T]GTGAAGACCTTGAAGGTAGGCTGGGACTGCCGGGGGTGCCCAGGGTACGTGGGGCAAGGC-3'
Protein context (NP_005148.2, residues 259-279): GVWKKYSLTV[Ala269=]VKTLKEDTME